The following is an entry in ClinVar:

NM_003151.4(STAT4):c.1411A>C (p.Asn471His)

Gene: STAT4 (signal transducer and activator of transcription 4; minus strand). Cytogenetic location: 2q32.2.
Variant type: single nucleotide variant.
Coding change: c.1411A>C on transcript NM_003151.4 (MANE Select); coding-DNA position 1411, A replaced by C.
Protein change: p.Asn471His; replaces asparagine 471 with histidine.
Molecular consequence: missense variant.
Genome position (GRCh38, 1-based): chr2:191,039,222, T>G on the plus strand (A>C on the coding strand, the complement: STAT4 is on the minus strand). VCF-style: chr2-191039222-T-G. GRCh37 (hg19) VCF-style: chr2-191903948-T-G.
Other names: c.1411A>C, p.Asn471His (NM_001243835.2); short protein forms N471H.
Identifiers: ClinVar variation 2996758 (VCV002996758.3), dbSNP rs1256812727, ClinGen allele CA349910829.

ClinVar aggregate classification (germline): Uncertain significance (1 of 4 stars; one submission).

Allele frequency attached by ClinVar (database versions not stated): gnomAD exomes below 0.00001; gnomAD 0.00001; TOPMed 0.00001.
gnomAD v4.1: 3 of 1,614,096 alleles (0.00019%); highest among the groups gnomAD compares: Non-Finnish European, 0.00025%; no homozygotes.

Submission:

Labcorp Genetics (formerly Invitae), Labcorp
Classification: Uncertain significance. Last evaluated: 2023-10-22. Review status: criteria provided, single submitter. Criteria: Invitae Variant Classification Sherloc (09022015). Collection method: clinical testing. Allele origin: germline.
Comment: This sequence change replaces asparagine, which is neutral and polar, with histidine, which is basic and polar, at codon 471 of the STAT4 protein (p.Asn471His). This variant is present in population databases (no rsID available, gnomAD 0.0009%). This variant has not been reported in the literature in individuals affected with STAT4-related conditions. Advanced modeling of protein sequence and biophysical properties (such as structural, functional, and spatial information, amino acid conservation, physicochemical variation, residue mobility, and thermodynamic stability) performed at Invitae indicates that this missense variant is expected to disrupt STAT4 protein function. In summary, the available evidence is currently insufficient to determine the role of this variant in disease. Therefore, it has been classified as a Variant of Uncertain Significance.